The following is an entry in ClinVar:

NM_000782.5(CYP24A1):c.324C>A (p.His108Gln)

Gene: CYP24A1 (cytochrome P450 family 24 subfamily A member 1; minus strand). Cytogenetic location: 20q13.2.
Variant type: single nucleotide variant.
Coding change: c.324C>A on transcript NM_000782.5 (MANE Select); coding-DNA position 324, C replaced by A.
Protein change: p.His108Gln; replaces histidine 108 with glutamine.
Molecular consequence: missense variant.
Genome position (GRCh38, 1-based): chr20:54,173,034, G>T on the plus strand (C>A on the coding strand, the complement: CYP24A1 is on the minus strand). VCF-style: chr20-54173034-G-T. GRCh37 (hg19) VCF-style: chr20-52789573-G-T.
Other names: c.324C>A, p.His108Gln (NM_001128915.2); short protein forms H108Q.
Identifiers: ClinVar variation 1988031 (VCV001988031.4), dbSNP rs768320804, ClinGen allele CA9916209.

ClinVar aggregate classification (germline): Uncertain significance (1 of 4 stars; one submission).

Allele frequency attached by ClinVar (database versions not stated): ExAC 0.00001; TOPMed 0.00001.
gnomAD v4.1: 18 of 1,609,824 alleles (0.0011%); highest among the groups gnomAD compares: Non-Finnish European, 0.0014%; no homozygotes.

Submission:

Labcorp Genetics (formerly Invitae), Labcorp
Classification: Uncertain significance. Last evaluated: 2022-02-19. Review status: criteria provided, single submitter. Criteria: Invitae Variant Classification Sherloc (09022015). Collection method: clinical testing. Allele origin: germline.
Comment: This sequence change replaces histidine, which is basic and polar, with glutamine, which is neutral and polar, at codon 108 of the CYP24A1 protein (p.His108Gln). In summary, the available evidence is currently insufficient to determine the role of this variant in disease. Therefore, it has been classified as a Variant of Uncertain Significance. Advanced modeling of protein sequence and biophysical properties (such as structural, functional, and spatial information, amino acid conservation, physicochemical variation, residue mobility, and thermodynamic stability) performed at Invitae indicates that this missense variant is not expected to disrupt CYP24A1 protein function. This variant has not been reported in the literature in individuals affected with CYP24A1-related conditions. The frequency data for this variant in the population databases is considered unreliable, as metrics indicate poor data quality at this position in the gnomAD database.